The following is an entry in ClinVar:

NM_017813.5(BPNT2):c.975C>T (p.Tyr325=)

Gene: BPNT2 (3'(2'), 5'-bisphosphate nucleotidase 2; minus strand). Cytogenetic location: 8q12.1.
Variant type: single nucleotide variant.
Coding change: c.975C>T on transcript NM_017813.5 (MANE Select); coding-DNA position 975, C replaced by T.
Protein change: p.Tyr325=; no amino-acid change (tyrosine 325 retained).
Molecular consequence: synonymous variant.
Genome position (GRCh38, 1-based): chr8:56,963,898, G>A on the plus strand (C>T on the coding strand, the complement: BPNT2 is on the minus strand). VCF-style: chr8-56963898-G-A. GRCh37 (hg19) VCF-style: chr8-57876457-G-A.
Identifiers: ClinVar variation 759874 (VCV000759874.10), dbSNP rs752543382, ClinGen allele CA4755765.

ClinVar aggregate classification (germline): Likely benign. Review status: criteria provided, multiple submitters, no conflicts (2 of 4 stars). 3 submissions from 3 submitters: Likely benign (2). 1 of the submissions does not count toward it. Last evaluated 2025-09-02.

Conditions:
BPNT2-related disorder. Also called: BPNT2-related condition.

Allele frequency attached by ClinVar (database versions not stated): TOPMed 0.00003; ExAC 0.00004; gnomAD 0.00004; gnomAD exomes 0.00006.
gnomAD v4.1: 94 of 1,614,024 alleles (0.0058%); highest among the groups gnomAD compares: South Asian, 0.0099%; no homozygotes.

Submissions (3):

Labcorp Genetics (formerly Invitae), Labcorp
Classification: Likely benign. Last evaluated: 2025-09-02. Review status: criteria provided, single submitter. Criteria: Invitae Variant Classification Sherloc (09022015). Collection method: clinical testing. Allele origin: germline.

Blueprint Genetics
Classification: Likely benign. Last evaluated: 2024-11-06. Review status: criteria provided, single submitter. Criteria: ACMG Guidelines, 2015. Collection method: clinical testing. Allele origin: germline.

PreventionGenetics, part of Exact Sciences
Classification: Likely benign for BPNT2-related condition. Last evaluated: 2019-07-30. Review status: no assertion criteria provided. Collection method: clinical testing. Allele origin: germline. Not counted in ClinVar's aggregate classification.
Comment: This variant is classified as likely benign based on ACMG/AMP sequence variant interpretation guidelines (Richards et al. 2015 PMID: 25741868, with internal and published modifications).